The following is an entry in ClinVar:

NM_000238.4(KCNH2):c.1853C>G (p.Thr618Ser)

Gene: KCNH2 (potassium voltage-gated channel subfamily H member 2; minus strand). Cytogenetic location: 7q36.1.
Variant type: single nucleotide variant.
Coding change: c.1853C>G on transcript NM_000238.4 (MANE Select); coding-DNA position 1853, C replaced by G.
Protein change: p.Thr618Ser; replaces threonine 618 with serine.
Molecular consequence: missense variant.
Genome position (GRCh38, 1-based): chr7:150,951,540, G>C on the plus strand (C>G on the coding strand, the complement: KCNH2 is on the minus strand). VCF-style: chr7-150951540-G-C. GRCh37 (hg19) VCF-style: chr7-150648628-G-C.
Other names: c.1853C>G (LRG_288t1); c.833C>G, p.Thr278Ser (NM_172057.3, NM_001204798.2); c.1565C>G, p.Thr522Ser (NM_001406753.1, NM_001406756.1); c.1676C>G, p.Thr559Ser (NM_001406755.1); c.1553C>G, p.Thr518Ser (NM_001406757.1); c.1853C>G, p.Thr618Ser (NM_172056.3); short protein forms T278S, T618S, T518S, T522S, T559S.
Identifiers: ClinVar variation 67296 (VCV000067296.3), dbSNP rs199472947, ClinGen allele CA005683.

ClinVar aggregate classification (germline): not provided (0 of 4 stars; one submission).

Conditions:
Familial long QT syndrome (RWS). Also called: Congenital long QT syndrome; Romano-Ward syndrome; VENTRICULAR FIBRILLATION WITH PROLONGED QT INTERVAL. Identifiers: Orphanet 768, MedGen C1141890, MONDO:0019171.

Submission:

Cardiovascular Biomedical Research Unit, Royal Brompton & Harefield NHS Foundation Trust
No classification provided. Condition: Familial long QT syndrome. Review status: no classification provided. Collection method: literature only. Allele origin: germline.
Comment: This variant has been reported as associated with Long QT syndrome in the following publications (PMID:19926013). This is a literature report, and does not necessarily reflect the clinical interpretation of the Imperial College / Royal Brompton Cardiovascular Genetics laboratory.

Literature cited by the submitters: PubMed 19926013; PubMed 22581653.